The following is an entry in ClinVar:

NM_006302.3(MOGS):c.1142dup (p.Leu383fs)

Gene: MOGS (mannosyl-oligosaccharide glucosidase; minus strand). Cytogenetic location: 2p13.1.
Variant type: Duplication.
Coding change: c.1142dup on transcript NM_006302.3 (MANE Select); coding-DNA position 1142, one base duplicated (A; older notation c.1142dupA).
Protein change: p.Leu383fs; shifts the reading frame from leucine 383.
Molecular consequence: frameshift variant.
Genome position (GRCh38, 1-based): chr2:74,462,647, T duplicated on the plus strand (A on the coding strand, the reverse complement: MOGS is on the minus strand); the first of 2 consecutive T bases (chr2:74,462,647-74,462,648); duplicating either gives the same sequence. VCF-style (leftmost placement, unchanged base first): chr2-74462646-C-CT. GRCh37 (hg19) VCF-style: chr2-74689773-C-CT.
Other names: c.824dup, p.Leu277fs (NM_001146158.2); short protein forms L277fs, L383fs.
Identifiers: ClinVar variation 2096379 (VCV002096379.4), dbSNP rs2529496405, ClinGen allele CA2580068186.

ClinVar aggregate classification (germline): Pathogenic (1 of 4 stars; one submission).

Conditions:
MOGS-congenital disorder of glycosylation. Also called: MOGS-CDG; CDG IIb; GLUCOSIDASE I DEFICIENCY; CDG 2B. Identifiers: Orphanet 79330, MedGen C1853736, MONDO:0011629, OMIM 606056.

Submission:

Labcorp Genetics (formerly Invitae), Labcorp
Classification: Pathogenic for MOGS-congenital disorder of glycosylation. Last evaluated: 2022-10-28. Review status: criteria provided, single submitter. Criteria: Invitae Variant Classification Sherloc (09022015). Collection method: clinical testing. Allele origin: germline.
Comment: This sequence change creates a premature translational stop signal (p.Leu383Profs*39) in the MOGS gene. While this is not anticipated to result in nonsense mediated decay, it is expected to disrupt the last 455 amino acid(s) of the MOGS protein. This variant is not present in population databases (gnomAD no frequency). For these reasons, this variant has been classified as Pathogenic. This variant disrupts a region of the MOGS protein in which other variant(s) (p.Arg535*) have been determined to be pathogenic (PMID: 29235540, 33261925; Invitae). This suggests that this is a clinically significant region of the protein, and that variants that disrupt it are likely to be disease-causing. Experimental studies and prediction algorithms are not available or were not evaluated, and the functional significance of this variant is currently unknown. This variant has not been reported in the literature in individuals affected with MOGS-related conditions.

Literature cited by the submitters: PubMed 29235540; PubMed 33261925.